The following is an entry in ClinVar:

ClinVar aggregate classification (germline): Uncertain significance. Review status: criteria provided, multiple submitters, no conflicts (2 of 4 stars). 2 submissions from 2 submitters: Uncertain significance (2). Last evaluated 2025-05-05.

Conditions:
Inborn genetic diseases. Identifiers: MedGen C0950123, MeSH D030342.
Amyotrophic lateral sclerosis type 1 (ALS1). Also called: AMYOTROPHIC LATERAL SCLEROSIS 1, FAMILIAL. Identifiers: Orphanet 803, MedGen C1862939, MONDO:0007103, OMIM 105400.
Perry syndrome. Also called: PARKINSONISM WITH ALVEOLAR HYPOVENTILATION AND MENTAL DEPRESSION. Identifiers: Orphanet 178509, MedGen C1868594, MONDO:0008201, OMIM 168605.
Neuronopathy, distal hereditary motor, type 7B. Also called: LOWER MOTOR NEURON DISEASE, DYNACTIN TYPE; HMN VIIB; NEURONOPATHY, DISTAL HEREDITARY MOTOR, AUTOSOMAL DOMINANT 14; NEURONOPATHY, DISTAL HEREDITARY MOTOR, HARDING TYPE VIIB; NEUROPATHY, DISTAL HEREDITARY MOTOR, HARDING TYPE VIIB; NEUROPATHY, DISTAL HEREDITARY MOTOR, WITH VOCAL CORD PARALYSIS, HARDING TYPE VIIB. Identifiers: Orphanet 139589, MedGen C1843315, MONDO:0011879, OMIM 607641.

Allele frequency attached by ClinVar (database versions not stated): gnomAD exomes below 0.00001; TOPMed below 0.00001; ExAC 0.00001; gnomAD 0.00001.
gnomAD v4.1: 6 of 1,614,018 alleles (0.00037%); highest among the groups gnomAD compares: Non-Finnish European, 0.00051%; no homozygotes.

Submissions (2):

Labcorp Genetics (formerly Invitae), Labcorp
Classification: Uncertain significance for Amyotrophic lateral sclerosis type 1; Neuronopathy, distal hereditary motor, type 7B; Perry syndrome. Last evaluated: 2025-05-05. Review status: criteria provided, single submitter. Criteria: Invitae Variant Classification Sherloc (09022015). Collection method: clinical testing. Allele origin: germline.
Comment: This sequence change replaces asparagine, which is neutral and polar, with serine, which is neutral and polar, at codon 477 of the DCTN1 protein (p.Asn477Ser). This variant is not present in population databases (gnomAD no frequency). This variant has not been reported in the literature in individuals affected with DCTN1-related conditions. ClinVar contains an entry for this variant (Variation ID: 640876). Invitae Evidence Modeling of protein sequence and biophysical properties (such as structural, functional, and spatial information, amino acid conservation, physicochemical variation, residue mobility, and thermodynamic stability) indicates that this missense variant is not expected to disrupt DCTN1 protein function with a negative predictive value of 95%. In summary, the available evidence is currently insufficient to determine the role of this variant in disease. Therefore, it has been classified as a Variant of Uncertain Significance.

Ambry Genetics
Classification: Uncertain significance for Inborn genetic diseases. Last evaluated: 2024-02-05. Review status: criteria provided, single submitter. Criteria: Ambry Variant Classification Scheme 2023. Collection method: clinical testing. Allele origin: germline.

NM_004082.5(DCTN1):c.1430A>G (p.Asn477Ser)

Gene: DCTN1 (dynactin subunit 1; minus strand). Cytogenetic location: 2p13.1.
Variant type: single nucleotide variant.
Coding change: c.1430A>G on transcript NM_004082.5 (MANE Select); coding-DNA position 1430, A replaced by G.
Protein change: p.Asn477Ser; replaces asparagine 477 with serine.
Molecular consequence: missense variant. On other transcripts: non-coding transcript variant (1).
Genome position (GRCh38, 1-based): chr2:74,369,454, T>C on the plus strand (A>G on the coding strand, the complement: DCTN1 is on the minus strand). VCF-style: chr2-74369454-T-C. GRCh37 (hg19) VCF-style: chr2-74596581-T-C.
Other names: c.1370A>G, p.Asn457Ser (NM_001135040.3); c.1028A>G, p.Asn343Ser (NM_001135041.3, NM_023019.4); c.1319A>G, p.Asn440Ser (NM_001190836.2); c.1409A>G, p.Asn470Ser (NM_001190837.2); c.1379A>G, p.Asn460Ser (NM_001378991.1); c.1361A>G, p.Asn454Ser (NM_001378992.1); short protein forms N440S, N470S, N457S, N477S, N343S, N454S, N460S.
Identifiers: ClinVar variation 640876 (VCV000640876.10), dbSNP rs756081164, ClinGen allele CA1722146.